The following is an entry in ClinVar:

NM_003737.4(DCHS1):c.6550C>T (p.Arg2184Trp)

Gene: DCHS1 (dachsous cadherin-related 1; minus strand). Cytogenetic location: 11p15.4.
Variant type: single nucleotide variant.
Coding change: c.6550C>T on transcript NM_003737.4 (MANE Select); coding-DNA position 6550, C replaced by T.
Protein change: p.Arg2184Trp; replaces arginine 2184 with tryptophan.
Molecular consequence: missense variant.
Genome position (GRCh38, 1-based): chr11:6,626,195, G>A on the plus strand (C>T on the coding strand, the complement: DCHS1 is on the minus strand). VCF-style: chr11-6626195-G-A. GRCh37 (hg19) VCF-style: chr11-6647426-G-A.
Other names: short protein forms R2184W.
Identifiers: ClinVar variation 2403543 (VCV002403543.6), dbSNP rs756799528, ClinGen allele CA5859839.
Genomic context (GRCh38, chr11:6,626,195, plus strand): 5'-CTCCCCCGCCCAATCTTTCCATCACACCCCGCACCTGCAGCAGGGGCCCCTCCAAGGGCC[G>A]GGACTCAGGAAGGAAGGCCACATAATGGGGCCGCAGGAAACGGGGAGCATTGTCGTTGGC-3'
Protein context (NP_003728.1, residues 2174-2194): PHYVAFLPES[Arg2184Trp]PLEGPLLQVE

ClinVar aggregate classification (germline): Uncertain significance. Review status: criteria provided, multiple submitters, no conflicts (2 of 4 stars). 2 submissions from 2 submitters: Uncertain significance (2). Last evaluated 2025-12-30.

Conditions:
Inborn genetic diseases. Identifiers: MedGen C0950123, MeSH D030342.

Allele frequency attached by ClinVar (database versions not stated): gnomAD exomes 0.00003; ExAC 0.00006; TOPMed 0.00005; gnomAD 0.00006.
gnomAD v4.1: 49 of 1,609,676 alleles (0.003%); highest among the groups gnomAD compares: African/African-American, 0.011%; no homozygotes.

Submissions (2):

Labcorp Genetics (formerly Invitae), Labcorp
Classification: Uncertain significance. Last evaluated: 2025-12-30. Review status: criteria provided, single submitter. Criteria: Invitae Variant Classification Sherloc (09022015). Collection method: clinical testing. Allele origin: germline.
Comment: This sequence change replaces arginine, which is basic and polar, with tryptophan, which is neutral and slightly polar, at codon 2184 of the DCHS1 protein (p.Arg2184Trp). This variant is present in population databases (rs756799528, gnomAD 0.009%). This variant has not been reported in the literature in individuals affected with DCHS1-related conditions. ClinVar contains an entry for this variant (Variation ID: 2403543). Invitae Evidence Modeling of protein sequence and biophysical properties (such as structural, functional, and spatial information, amino acid conservation, physicochemical variation, residue mobility, and thermodynamic stability) indicates that this missense variant is not expected to disrupt DCHS1 protein function with a negative predictive value of 80%. In summary, the available evidence is currently insufficient to determine the role of this variant in disease. Therefore, it has been classified as a Variant of Uncertain Significance.

Ambry Genetics
Classification: Uncertain significance for Inborn genetic diseases. Last evaluated: 2025-04-18. Review status: criteria provided, single submitter. Criteria: Ambry Variant Classification Scheme 2023. Collection method: clinical testing. Allele origin: germline.